The following is an entry in ClinVar:

ClinVar aggregate classification (germline): Pathogenic. Review status: criteria provided, multiple submitters, no conflicts (2 of 4 stars). 2 submissions from 2 submitters: Pathogenic (2). Last evaluated 2023-12-22.

Conditions:
Hereditary cancer-predisposing syndrome. Also called: Tumor predisposition; Hereditary neoplastic syndrome; Hereditary Cancer Syndrome; Neoplastic Syndromes, Hereditary. Identifiers: Orphanet 140162, MedGen C0027672, MeSH D009386, MONDO:0015356.
Familial cancer of breast. Also called: BREAST CANCER, FAMILIAL; Hereditary breast cancer; hereditary breast carcinoma. Identifiers: Orphanet 227535, MedGen C0346153, MONDO:0016419, OMIM 114480. Disease mechanism: loss of function.

Submissions (2):

Ambry Genetics
Classification: Pathogenic for Hereditary cancer-predisposing syndrome. Last evaluated: 2023-12-22. Review status: criteria provided, single submitter. Criteria: Ambry Variant Classification Scheme 2023. Collection method: clinical testing. Allele origin: germline.
Comment: The c.938delT pathogenic mutation, located in coding exon 8 of the CHEK2 gene, results from a deletion of one nucleotide at nucleotide position 938, causing a translational frameshift with a predicted alternate stop codon (p.V313Gfs*7). This variant is considered to be rare based on population cohorts in the Genome Aggregation Database (gnomAD). This alteration is expected to result in loss of function by premature protein truncation or nonsense-mediated mRNA decay. As such, this alteration is interpreted as a disease-causing mutation.

Labcorp Genetics (formerly Invitae), Labcorp
Classification: Pathogenic for Familial cancer of breast. Last evaluated: 2023-05-04. Review status: criteria provided, single submitter. Criteria: Invitae Variant Classification Sherloc (09022015). Collection method: clinical testing. Allele origin: germline.
Comment: This variant has not been reported in the literature in individuals affected with CHEK2-related conditions. For these reasons, this variant has been classified as Pathogenic. ClinVar contains an entry for this variant (Variation ID: 965004). This variant is not present in population databases (gnomAD no frequency). This sequence change creates a premature translational stop signal (p.Val313Glyfs*7) in the CHEK2 gene. It is expected to result in an absent or disrupted protein product. Loss-of-function variants in CHEK2 are known to be pathogenic (PMID: 21876083, 24713400).

Literature cited by the submitters: PubMed 21876083 (cited by Labcorp Genetics (formerly Invitae), Labcorp); PubMed 24713400 (cited by Labcorp Genetics (formerly Invitae), Labcorp).

NM_007194.4(CHEK2):c.938del (p.Val313fs)

Gene: CHEK2 (checkpoint kinase 2; minus strand). Cytogenetic location: 22q12.1.
Variant type: Deletion.
Coding change: c.938del on transcript NM_007194.4 (MANE Select); coding-DNA position 938, one base deleted (T; older notation c.938delT).
Protein change: p.Val313fs; shifts the reading frame from valine 313.
Molecular consequence: frameshift variant.
Genome position (GRCh38, 1-based): chr22:28,699,908, A deleted on the plus strand (T on the coding strand, the reverse complement: CHEK2 is on the minus strand). VCF-style (leftmost placement, unchanged base first): chr22-28699907-CA-C. GRCh37 (hg19) VCF-style: chr22-29095895-CA-C.
Other names: c.938delT (NM_007194.3); c.1067delT, p.Val356Glyfs (NM_001005735.3); c.275delT, p.Val92Glyfs (NM_001257387.3); c.737delT, p.Val246Glyfs (NM_001349956.3); c.938delT, p.Val313Glyfs (NM_145862.3); short protein forms V356fs, V313fs, V246fs, V92fs.
Identifiers: ClinVar variation 965004 (VCV000965004.9), dbSNP rs2052766776, ClinGen allele CA1139666355.